The following is an entry in ClinVar:

NM_001267550.2(TTN):c.27156G>A (p.Trp9052Ter)

Gene: TTN (titin; minus strand). Cytogenetic location: 2q31.2.
Variant type: single nucleotide variant.
Coding change: c.27156G>A on transcript NM_001267550.2 (MANE Select); coding-DNA position 27156, G replaced by A.
Protein change: p.Trp9052Ter; replaces tryptophan 9052 with a stop codon.
Molecular consequence: nonsense. On other transcripts: intron variant (3).
Genome position (GRCh38, 1-based): chr2:178,712,869, C>T on the plus strand (G>A on the coding strand, the complement: TTN is on the minus strand). VCF-style: chr2-178712869-C-T. GRCh37 (hg19) VCF-style: chr2-179577596-C-T.
Other names: c.26205G>A, p.Trp8735Ter (NM_001256850.1); c.23424G>A, p.Trp7808Ter (NM_133378.4); c.13282+25213G>A (NM_003319.4); c.13858+25213G>A (NM_133437.4); c.13657+25213G>A (NM_133432.3); short protein forms W9052*, W7808*, W8735*.
Identifiers: ClinVar variation 4995254 (VCV004995254.1).

ClinVar aggregate classification (germline): Likely pathogenic (1 of 4 stars; one submission).

Conditions:
TTN-related disorder. Also called: TTN-related condition; TTN-related disease; TTN-related disorders.

Submission:

PreventionGenetics, part of Exact Sciences
Classification: Likely pathogenic for TTN-related condition. Last evaluated: 2025-12-01. Review status: criteria provided, single submitter. Criteria: ACMG Guidelines, 2015. Collection method: clinical testing. Allele origin: germline.
Comment: The TTN c.27156G>A variant is predicted to result in premature protein termination (p.Trp9052*). To our knowledge, this variant has not been reported in the literature or in a large population database (gnomAD), indicating this variant is rare. This variant is located in the I-band region of the TTN protein. RNAseq studies from heart tissue indicate this exon is not commonly included in TTN mRNA transcripts (PSI of 64%-85%, Roberts et al. 2015. PubMed ID: 25589632). TTN loss-of-function variants occurring in non-constitutively expressed exons (PSI < 90%) are less likely to be disease causing for TTN cardiac-related disorders (Roberts et al. 2015. PubMed ID: 25589632; Schafer et al. 2017. PubMed ID: 27869827; Akhtar et al. 2020. PubMed ID: 32964742). Many cases of recessive TTN-related myopathies in which the individual is compound heterozygous for two loss-of-function variants in TTN have also been reported (Oates et al. 2018. PubMed ID: 29691892; Ge et al. 2019. PubMed ID: 31053406; Rees et al. 2021. PubMed ID: 33449170). In summary, this variant is likely pathogenic for autosomal recessive TTN-related congenital titinopathies. However, it is uncertain if this variant would be causative for autosomal dominant TTN-related disorders.